The following is an entry in ClinVar:

ClinVar aggregate classification (germline): Uncertain significance (1 of 4 stars; one submission).

Conditions:
Inborn genetic diseases. Identifiers: MedGen C0950123, MeSH D030342.

gnomAD v4.1: 1 of 1,607,704 alleles (0.000062%); highest among the groups gnomAD compares: African/African-American, 0.0013%; no homozygotes.

Submission:

Ambry Genetics
Classification: Uncertain significance for Inborn genetic diseases. Last evaluated: 2024-12-25. Review status: criteria provided, single submitter. Criteria: Ambry Variant Classification Scheme 2023. Collection method: clinical testing. Allele origin: germline.
Comment: The p.N850S variant (also known as c.2549A>G), located in coding exon 22 of the ANKRD26 gene, results from an A to G substitution at nucleotide position 2549. The asparagine at codon 850 is replaced by serine, an amino acid with highly similar properties. This amino acid position is conserved. In addition, this alteration is predicted to be tolerated by in silico analysis. Based on the available evidence, the clinical significance of this variant remains unclear.

NM_014915.3(ANKRD26):c.2549A>G (p.Asn850Ser)

Gene: ANKRD26 (ankyrin repeat domain containing 26; minus strand). Cytogenetic location: 10p12.1.
Variant type: single nucleotide variant.
Coding change: c.2549A>G on transcript NM_014915.3 (MANE Select); coding-DNA position 2549, A replaced by G.
Protein change: p.Asn850Ser; replaces asparagine 850 with serine.
Molecular consequence: missense variant.
Genome position (GRCh38, 1-based): chr10:27,037,881, T>C on the plus strand (A>G on the coding strand, the complement: ANKRD26 is on the minus strand). VCF-style: chr10-27037881-T-C. GRCh37 (hg19) VCF-style: chr10-27326810-T-C.
Other names: c.2546A>G, p.Asn849Ser (NM_001256053.2); short protein forms N850S, N849S.
Identifiers: ClinVar variation 3869688 (VCV003869688.1).